The following is an entry in ClinVar:

ClinVar aggregate classification (germline): Pathogenic. Review status: criteria provided, multiple submitters, no conflicts (2 of 4 stars). 28 submissions from 26 submitters: Pathogenic (24). 4 of the submissions do not count toward it. Last evaluated 2026-01-17.
ClinVar aggregate classification (oncogenicity): Oncogenic (1 of 4 stars; one submission).

Conditions:
Monogenic short statue.
Noonan syndrome and Noonan-related syndrome. Identifiers: Orphanet 98733, MedGen C5681679, MONDO:0020297.
PTPN11-related disorder. Also called: PTPN11-Related Disorders.
Cardiovascular phenotype. Identifiers: MedGen CN230736.
Metachondromatosis (METCDS). Identifiers: Orphanet 2499, MedGen C0410530, MONDO:0007979, OMIM 156250.
Noonan syndrome 1 (NS1). Also called: TURNER PHENOTYPE WITH NORMAL KARYOTYPE; PTPN11-Related Noonan Syndrome; FEMALE PSEUDO-TURNER SYNDROME. Identifiers: Orphanet 648, MedGen C4551602, MONDO:0008104, OMIM 163950. Disease mechanism: gain of function.
LEOPARD syndrome 1 (LPRD1). Also called: LENTIGINOSIS, CARDIOMYOPATHIC; MULTIPLE LENTIGINES SYNDROME; PTPN11-Related LEOPARD Syndrome. Identifiers: Orphanet 500, MedGen C4551484, MONDO:0100082, OMIM 151100.
Juvenile myelomonocytic leukemia (JMML). Also called: LEUKEMIA, JUVENILE MYELOMONOCYTIC, SOMATIC. Identifiers: Orphanet 86834, MedGen C0349639, MONDO:0011908, OMIM 607785, HP:0012209.
RASopathy. Also called: rasopathies; Noonan spectrum disorder. Identifiers: Orphanet 536391, MedGen C5555857, MONDO:0021060.
Noonan syndrome (NS). Also called: Noonan's syndrome. Identifiers: Orphanet 648, MedGen C0028326, MeSH D009634, MONDO:0018997. Disease mechanism: gain of function.
Intellectual disability. Also called: Intellectual functioning disability; intellectual disabilities; Intellectual developmental disorder. Identifiers: MedGen C3714756, MeSH D008607, MONDO:0001071, HP:0001249.
Neoplasm. Also called: tumor; Neoplasms; Neoplasm (disease). Identifiers: MedGen C0027651, MeSH D009369, MONDO:0005070, HP:0002664.

Submissions 1 to 12 of 29:

Center for Genomic Medicine, Rigshospitalet, Copenhagen University Hospital
Classification: Oncogenic for Neoplasm. Last evaluated: 2026-10-16. Review status: criteria provided, single submitter. Criteria: ClinGen/CGC/VICC Guidelines for Oncogenicity, 2022. Collection method: clinical testing. Allele origin: somatic. Affected: yes.

Labcorp Genetics (formerly Invitae), Labcorp
Classification: Pathogenic for RASopathy. Last evaluated: 2026-01-17. Review status: criteria provided, single submitter. Criteria: Invitae Variant Classification Sherloc (09022015). Collection method: clinical testing. Allele origin: germline.
Comment: This sequence change replaces glycine, which is neutral and non-polar, with arginine, which is basic and polar, at codon 503 of the PTPN11 protein (p.Gly503Arg). This variant is not present in population databases (gnomAD no frequency). This missense change has been observed in individual(s) with Noonan syndrome or Noonan syndrome with multiple lentigines (PMID: 15001945, 16358218, 18678287, 18758896, 22465605, 23513489). It has also been observed to segregate with disease in related individuals. ClinVar contains an entry for this variant (Variation ID: 40559). Invitae Evidence Modeling of protein sequence and biophysical properties (such as structural, functional, and spatial information, amino acid conservation, physicochemical variation, residue mobility, and thermodynamic stability) indicates that this missense variant is expected to disrupt PTPN11 protein function with a positive predictive value of 95%. For these reasons, this variant has been classified as Pathogenic.

Dasa
Classification: Pathogenic. Last evaluated: 2025-11-14. Review status: criteria provided, single submitter. Criteria: DASA Assertion Criteria. Collection method: clinical testing. Allele origin: germline.
Comment: NM_002834.5(PTPN11):c.1507G>A (p.Gly503Arg) is a missense variant that results in the substitution of glycine with arginine. This variant results in the same amino acid change as a previously established pathogenic variant. The affected residue or protein region has prior evidence supporting clinical relevance. De novo occurrence has been reported in an individual with related phenotype. This variant has been recurrently observed in individuals with related phenotype (PMID: 16358218; PMID: 18678287; PMID: 23513489; PMID: 25533962; PMID: 29493581). Multiple computational predictions support a deleterious effect on the gene or gene product. The variant is present at low frequency in population datasets. Based on the available data, this variant is classified as pathogenic.

NHS Central & South Genomic Laboratory Hub
Classification: Pathogenic for Monogenic short statue. Last evaluated: 2025-10-21. Review status: criteria provided, single submitter. Criteria: ACMG Guidelines, 2015. Collection method: clinical testing. Allele origin: germline. Affected: yes.

Ambry Genetics
Classification: Pathogenic for Cardiovascular phenotype. Last evaluated: 2025-09-18. Review status: criteria provided, single submitter. Criteria: Ambry Variant Classification Scheme 2023. Collection method: clinical testing. Allele origin: germline.
Comment: The c.1507G>A (p.G503R) alteration is located in exon 13 (coding exon 13) of the PTPN11 gene. This alteration results from a G to A substitution at nucleotide position 1507, causing the glycine (G) at amino acid position 503 to be replaced by an arginine (R). for PTPN11-related RASopathy; however, it is unlikely to be causative of Metachondromatosis This variant was not reported in population-based cohorts in the Genome Aggregation Database (gnomAD). This variant, as well as other variant(s) resulting in the same amino acid change (c.1507G>T), have been identified in individual(s) with features consistent with Noonan Syndrome (Hof, 1998; Tartaglia, 2006; Sarkozy, 2003; Zenker, 2004; Lo, 2008; Holmfeldt, 2013). This amino acid position is highly conserved in available vertebrate species. Based on internal structural analysis, this variant is predicted to be structurally destabilizing (Hof, 1998; Ambry internal data) This alteration is predicted to be deleterious by in silico analysis. Based on the available evidence, this alteration is classified as pathogenic.

MGZ Medical Genetics Center
Classification: Pathogenic for Noonan syndrome 1. Last evaluated: 2023-03-31. Review status: criteria provided, single submitter. Criteria: ACMG Guidelines, 2015. Collection method: clinical testing. Allele origin: de novo. Affected: yes. Observed: 2 variant alleles.
Comment: ACMG criteria applied: PS1, PS4, PP3_STR, PS2_MOD, PM5, PM2_SUP

Neuberg Centre For Genomic Medicine, NCGM
Classification: Pathogenic for Noonan syndrome 1. Last evaluated: 2023-03-01. Review status: criteria provided, single submitter. Criteria: ACMG Guidelines, 2015. Collection method: clinical testing. Allele origin: germline. Inheritance: Autosomal dominant inheritance. Affected: yes.
Comment: The missense c.1507G>A (p.Gly503Arg) variant in the PTPN11 gene has been observed in multiple individuals with Noonan syndrome or Noonan syndrome with multiple lentigines (Cammarata-Scalisi, Francisco et al., 2012). It has also been observed to segregate with disease in related individuals. The variant is novel (not in any individuals) in gnomAD Exomes and 1000 Genomes. It is submitted to ClinVar as Pathogenic (multiple submissions). The amino acid Glycine at position 503 is changed to a Arginine changing protein sequence and it might alter its composition and physico-chemical properties. The variant is predicted as damaging by SIFT.The amino acid change p.Gly503Arg in PTPN11 is predicted as conserved by GERP++ and PhyloP across 100 vertebrates. For these reasons, this variant has been classified as Pathogenic.

Eurofins-Biomnis
Classification: Pathogenic for Noonan syndrome 1. Last evaluated: 2022-11-23. Review status: criteria provided, single submitter. Criteria: Accession Criteria ClinVar Biomnis. Collection method: clinical testing. Allele origin: germline. Affected: yes. Observed: 1 heterozygote.

Baylor Genetics
Classification: Pathogenic for Noonan syndrome 1. Last evaluated: 2022-08-22. Review status: criteria provided, single submitter. Criteria: ACMG Guidelines, 2015. Collection method: clinical testing. Allele origin: unknown.

Baylor Genetics
Classification: Pathogenic for LEOPARD syndrome 1. Last evaluated: 2022-08-22. Review status: criteria provided, single submitter. Criteria: ACMG Guidelines, 2015. Collection method: clinical testing. Allele origin: unknown.

Baylor Genetics
Classification: Pathogenic for Metachondromatosis. Last evaluated: 2022-08-22. Review status: criteria provided, single submitter. Criteria: ACMG Guidelines, 2015. Collection method: clinical testing. Allele origin: unknown.

3billion
Classification: Pathogenic for Noonan syndrome 1. Last evaluated: 2022-03-22. Review status: criteria provided, single submitter. Criteria: ACMG Guidelines, 2015. Collection method: clinical testing. Allele origin: germline. Affected: yes. Observed: 1 heterozygote.
Comment: Same or different nucleotide change resulting in same amino acid change has been previously reported as pathogenic/likely pathogenic with strong evidence (ClinVar ID: VCV000040558,VCV000040559,VCV000571101). The variant has been previously reported as de novo in a similarly affected individual (PMID: 25533962). A different missense change at the same codon has been reported as pathogenic/likely pathogenic with strong evidence (ClinVar ID: VCV000040561, PMID:16358218). In silico tool predictions suggest damaging effect of the variant on gene or gene product (REVEL: 0.992>=0.6, 3CNET: 0.994>=0.75). A missense variant is a common mechanism. It is not observed in the gnomAD v2.1.1 dataset. Therefore, this variant is classified as pathogenic according to the recommendation of ACMG/AMP guideline.

NM_002834.5(PTPN11):c.1507G>A (p.Gly503Arg)

Gene: PTPN11 (protein tyrosine phosphatase non-receptor type 11; plus strand). Cytogenetic location: 12q24.13.
Variant type: single nucleotide variant.
Coding change: c.1507G>A on transcript NM_002834.5 (MANE Select); coding-DNA position 1507, G replaced by A.
Protein change: p.Gly503Arg; replaces glycine 503 with arginine.
Molecular consequence: missense variant.
Genome position (GRCh38, 1-based): chr12:112,489,083, G>A. VCF-style: chr12-112489083-G-A. GRCh37 (hg19) VCF-style: chr12-112926887-G-A.
Other names: p.G503R:GGG>AGG; c.1507G>A (NM_002834.4); c.1519G>A, p.Gly507Arg (NM_001330437.2); c.1504G>A, p.Gly502Arg (NM_001374625.1); short protein forms G503R, G507R, G502R.
Identifiers: ClinVar variation 40559 (VCV000040559.85), dbSNP rs397507545, ClinGen allele CA220137.